The following is an entry in ClinVar:

NM_001035.3(RYR2):c.3299G>A (p.Arg1100Gln)

Gene: RYR2 (ryanodine receptor 2; plus strand). Cytogenetic location: 1q43.
Variant type: single nucleotide variant.
Coding change: c.3299G>A on transcript NM_001035.3 (MANE Select); coding-DNA position 3299, G replaced by A.
Protein change: p.Arg1100Gln; replaces arginine 1100 with glutamine.
Molecular consequence: missense variant.
Genome position (GRCh38, 1-based): chr1:237,566,651, G>A. VCF-style: chr1-237566651-G-A. GRCh37 (hg19) VCF-style: chr1-237729951-G-A.
Other names: c.3299G>A (NM_001035.2); short protein forms R1100Q.
Identifiers: ClinVar variation 2897764 (VCV002897764.5), dbSNP rs751533741, ClinGen allele CA086351.

ClinVar aggregate classification (germline): Uncertain significance. Review status: criteria provided, multiple submitters, no conflicts (2 of 4 stars). 3 submissions from 3 submitters: Uncertain significance (3). Last evaluated 2024-05-17.

Conditions:
Catecholaminergic polymorphic ventricular tachycardia (CVPT). Also called: Catecholamine-induced polymorphic ventricular tachycardia. Identifiers: Orphanet 3286, MedGen C5574922, MONDO:0017990.
Catecholaminergic polymorphic ventricular tachycardia 1. Also called: RYR2-Related Catecholaminergic Polymorphic Ventricular Tachycardia; VENTRICULAR TACHYCARDIA, CATECHOLAMINERGIC POLYMORPHIC, 1, WITH OR WITHOUT ATRIAL DYSFUNCTION AND/OR DILATED CARDIOMYOPATHY; VENTRICULAR TACHYCARDIA, STRESS-INDUCED POLYMORPHIC 1. Identifiers: Orphanet 3286, MedGen C1631597, MONDO:0011484, OMIM 604772.
Cardiovascular phenotype. Identifiers: MedGen CN230736.

Allele frequency attached by ClinVar (database versions not stated): gnomAD exomes 0.00001; ExAC 0.00003.
gnomAD v4.1: 18 of 1,613,994 alleles (0.0011%); highest among the groups gnomAD compares: Non-Finnish European, 0.0014%; no homozygotes.

Submissions (3):

Labcorp Genetics (formerly Invitae), Labcorp
Classification: Uncertain significance for Catecholaminergic polymorphic ventricular tachycardia 1. Last evaluated: 2024-05-17. Review status: criteria provided, single submitter. Criteria: Invitae Variant Classification Sherloc (09022015). Collection method: clinical testing. Allele origin: germline.
Comment: This sequence change replaces arginine, which is basic and polar, with glutamine, which is neutral and polar, at codon 1100 of the RYR2 protein (p.Arg1100Gln). This variant is present in population databases (rs751533741, gnomAD 0.004%). This variant has not been reported in the literature in individuals affected with RYR2-related conditions. Advanced modeling of protein sequence and biophysical properties (such as structural, functional, and spatial information, amino acid conservation, physicochemical variation, residue mobility, and thermodynamic stability) performed at Invitae indicates that this missense variant is not expected to disrupt RYR2 protein function with a negative predictive value of 95%. In summary, the available evidence is currently insufficient to determine the role of this variant in disease. Therefore, it has been classified as a Variant of Uncertain Significance.

Ambry Genetics
Classification: Uncertain significance for Cardiovascular phenotype. Last evaluated: 2023-11-22. Review status: criteria provided, single submitter. Criteria: Ambry Variant Classification Scheme 2023. Collection method: clinical testing. Allele origin: germline.
Comment: The p.R1100Q variant (also known as c.3299G>A), located in coding exon 28 of the RYR2 gene, results from a G to A substitution at nucleotide position 3299. The arginine at codon 1100 is replaced by glutamine, an amino acid with highly similar properties. This amino acid position is not well conserved in available vertebrate species. In addition, the in silico prediction for this alteration is inconclusive. Since supporting evidence is limited at this time, the clinical significance of this alteration remains unclear.

All of Us Research Program, National Institutes of Health
Classification: Uncertain significance for Catecholaminergic polymorphic ventricular tachycardia. Last evaluated: 2023-10-02. Review status: criteria provided, single submitter. Criteria: ACMG Guidelines, 2015. Collection method: clinical testing. Allele origin: germline. Inheritance: Autosomal dominant inheritance. Observed: 1 variant allele, 1 heterozygote.
Comment: This missense variant replaces arginine with glutamine at codon 1100 of the RYR2 protein. Computational prediction suggests that this variant may not impact protein structure and function (internally defined REVEL score threshold <= 0.5, PMID: 27666373). To our knowledge, functional studies have not been reported for this variant. This variant has not been reported in individuals affected with RYR2-related disorders in the literature. This variant has been identified in 5/249114 chromosomes in the general population by the Genome Aggregation Database (gnomAD). The available evidence is insufficient to determine the role of this variant in disease conclusively. Therefore, this variant is classified as a Variant of Uncertain Significance.

This study involves interpretation of variants in research participants for the purpose of population health screening. Participant phenotype was not available at the time of variant classification. Additional details can be found in publication PMID: 35346344, PMCID: PMC8962531